The following is an entry in ClinVar:

ClinVar aggregate classification (germline): Uncertain significance (1 of 4 stars; one submission).

Conditions:
Inborn genetic diseases. Identifiers: MedGen C0950123, MeSH D030342.

Submission:

Ambry Genetics
Classification: Uncertain significance for Inborn genetic diseases. Last evaluated: 2023-10-22. Review status: criteria provided, single submitter. Criteria: Ambry Variant Classification Scheme 2023. Collection method: clinical testing. Allele origin: germline.
Comment: The p.L325P variant (also known as c.974T>C), located in coding exon 4 of the ATR gene, results from a T to C substitution at nucleotide position 974. The leucine at codon 325 is replaced by proline, an amino acid with similar properties. This amino acid position is conserved. In addition, this alteration is predicted to be deleterious by in silico analysis. Since supporting evidence is limited at this time, the clinical significance of this alteration remains unclear.

NM_001184.4(ATR):c.974T>C (p.Leu325Pro)

Gene: ATR (ATR checkpoint kinase; minus strand). Cytogenetic location: 3q23.
Variant type: single nucleotide variant.
Coding change: c.974T>C on transcript NM_001184.4 (MANE Select); coding-DNA position 974, T replaced by C.
Protein change: p.Leu325Pro; replaces leucine 325 with proline.
Molecular consequence: missense variant.
Genome position (GRCh38, 1-based): chr3:142,562,428, A>G on the plus strand (T>C on the coding strand, the complement: ATR is on the minus strand). VCF-style: chr3-142562428-A-G. GRCh37 (hg19) VCF-style: chr3-142281270-A-G.
Other names: c.974T>C, p.Leu325Pro (NM_001354579.2); short protein forms L325P.
Identifiers: ClinVar variation 3221315 (VCV003221315.1), dbSNP rs2473426065, ClinGen allele CA354824233.